The following is an entry in ClinVar:

NM_001164508.2(NEB):c.24731A>G (p.Glu8244Gly)

Genes: NEB (nebulin; minus strand), RIF1 (replication timing regulatory factor 1; plus strand). Cytogenetic location: 2q23.3.
Variant type: single nucleotide variant.
Coding change: c.24731A>G on transcript NM_001164508.2 (MANE Select); coding-DNA position 24731, A replaced by G.
Protein change: p.Glu8244Gly; replaces glutamic acid 8244 with glycine.
Molecular consequence: missense variant.
Genome position (GRCh38, 1-based): chr2:151,493,387, T>C on the plus strand (A>G on the coding strand, the complement: NEB is on the minus strand). VCF-style: chr2-151493387-T-C. GRCh37 (hg19) VCF-style: chr2-152349901-T-C.
Other names: c.24731A>G, p.Glu8244Gly (NM_001164507.2); c.24836A>G, p.Glu8279Gly (NM_001271208.2); c.19163A>G, p.Glu6388Gly (NM_004543.5); short protein forms E8244G, E6388G, E8279G.
Identifiers: ClinVar variation 1364050 (VCV001364050.6), dbSNP rs2152851090, ClinGen allele CA348774713.
Genomic context (GRCh38, chr2:151,493,387, plus strand): 5'-TATTTCTTTTTAGTCCTAGAAAATACCGAGCTAATGTTTTCTTGGTTGCGCTTAGCTCTC[T>C]CCATCTCTGGAGTAACAGGTGTCGGAGTTGCTTTTCTCATGTTCTCTTTGTACAATACCT-3'
Protein context (NP_001157980.2, residues 8234-8254): ATPTPVTPEM[Glu8244Gly]RAKRNQENIS

ClinVar aggregate classification (germline): Uncertain significance (1 of 4 stars; one submission).

Conditions:
Nemaline myopathy 2 (NEM2). Also called: Nemaline myopathy 2, autosomal recessive. Identifiers: MedGen C1850569, MONDO:0009725, OMIM 256030.

Submission:

Labcorp Genetics (formerly Invitae), Labcorp
Classification: Uncertain significance for Nemaline myopathy 2. Last evaluated: 2022-07-06. Review status: criteria provided, single submitter. Criteria: Invitae Variant Classification Sherloc (09022015). Collection method: clinical testing. Allele origin: germline.
Comment: This sequence change replaces glutamic acid, which is acidic and polar, with glycine, which is neutral and non-polar, at codon 8279 of the NEB protein (p.Glu8279Gly). This variant is not present in population databases (gnomAD no frequency). This variant has not been reported in the literature in individuals affected with NEB-related conditions. ClinVar contains an entry for this variant (Variation ID: 1364050). Algorithms developed to predict the effect of missense changes on protein structure and function are either unavailable or do not agree on the potential impact of this missense change (SIFT: "Deleterious"; PolyPhen-2: "Not Available"; Align-GVGD: "Class C0"). In summary, the available evidence is currently insufficient to determine the role of this variant in disease. Therefore, it has been classified as a Variant of Uncertain Significance.